The following is an entry in ClinVar:

ClinVar aggregate classification (germline): Likely pathogenic (1 of 4 stars; one submission).

Conditions:
ATM-related cancer predisposition. Also called: ATM-related cancer susceptibility. Identifiers: MedGen CN377759, MONDO:0700270.

Submission:

Dasa
Classification: Likely pathogenic for ATM-related cancer predisposition. Last evaluated: 2026-01-05. Review status: criteria provided, single submitter. Criteria: DASA Assertion Criteria. Collection method: clinical testing. Allele origin: germline.
Comment: NM_000051.4(ATM):c.8965del (p.Gln2989Lysfs*17) is a frameshift variant in ATM predicted to alter the reading frame and introduce a premature termination codon and is predicted to result in an absent or altered protein product. Loss of function is an established disease mechanism for ATM (PMID: 3574400; PMID: 27595995; PMID: 15928302). Also, this variant is absent from population databases. Based on the currently available evidence, this variant is classified as likely pathogenic.

Literature cited by the submitters: PubMed 3574400; PubMed 27595995; PubMed 15928302.

NM_000051.4(ATM):c.8965del (p.Gln2989fs)

Genes: ATM (ATM serine/threonine kinase; plus strand), C11orf65 (chromosome 11 open reading frame 65; minus strand). Cytogenetic location: 11q22.3.
Variant type: Deletion.
Coding change: c.8965del on transcript NM_000051.4 (MANE Select); coding-DNA position 8965, one base deleted (C; older notation c.8965delC).
Protein change: p.Gln2989fs; shifts the reading frame from glutamine 2989.
Molecular consequence: frameshift variant. On other transcripts: intron variant (2).
Genome position (GRCh38, 1-based): chr11:108,365,196, C deleted; the last of 2 consecutive C bases (chr11:108,365,195-108,365,196); deleting either gives the same sequence. VCF-style (leftmost placement, unchanged base first): chr11-108365194-AC-A. GRCh37 (hg19) VCF-style: chr11-108235921-AC-A.
Other names: c.8965del, p.Gln2989fs (NM_001351834.2); c.640+20725del (NM_001330368.2); c.694+20725del (NM_001351110.2); short protein forms Q2989fs.
Identifiers: ClinVar variation 4880572 (VCV004880572.2).